The following is an entry in ClinVar:

ClinVar aggregate classification (germline): Uncertain significance (1 of 4 stars; one submission).

Conditions:
Nephronophthisis. Also called: Juvenile Nephronophthisis. Identifiers: Orphanet 655, MedGen C0687120, MONDO:0019005, HP:0000090.

Submission:

Labcorp Genetics (formerly Invitae), Labcorp
Classification: Uncertain significance for Nephronophthisis. Last evaluated: 2023-05-22. Review status: criteria provided, single submitter. Criteria: Invitae Variant Classification Sherloc (09022015). Collection method: clinical testing. Allele origin: germline.
Comment: In summary, the available evidence is currently insufficient to determine the role of this variant in disease. Therefore, it has been classified as a Variant of Uncertain Significance. An algorithm developed to predict the effect of missense changes on protein structure and function (PolyPhen-2) suggests that this variant is likely to be tolerated. ClinVar contains an entry for this variant (Variation ID: 2003287). This variant has not been reported in the literature in individuals affected with NPHP4-related conditions. This variant is not present in population databases (gnomAD no frequency). This sequence change replaces glutamine, which is neutral and polar, with lysine, which is basic and polar, at codon 173 of the NPHP4 protein (p.Gln173Lys).

NM_015102.5(NPHP4):c.517C>A (p.Gln173Lys)

Gene: NPHP4 (nephrocystin 4; minus strand). Cytogenetic location: 1p36.31.
Variant type: single nucleotide variant.
Coding change: c.517C>A on transcript NM_015102.5 (MANE Select); coding-DNA position 517, C replaced by A.
Protein change: p.Gln173Lys; replaces glutamine 173 with lysine.
Molecular consequence: missense variant. On other transcripts: 5 prime UTR variant (2), non-coding transcript variant (1).
Genome position (GRCh38, 1-based): chr1:5,967,299, G>T on the plus strand (C>A on the coding strand, the complement: NPHP4 is on the minus strand). VCF-style: chr1-5967299-G-T. GRCh37 (hg19) VCF-style: chr1-6027359-G-T.
Other names: c.-713C>A (NM_001291593.2); c.-850C>A (NM_001291594.2); short protein forms Q173K.
Identifiers: ClinVar variation 2003287 (VCV002003287.4), dbSNP rs997408852, ClinGen allele CA338049283.